The following is an entry in ClinVar:

ClinVar aggregate classification (germline): Likely benign. Review status: criteria provided, multiple submitters, no conflicts (2 of 4 stars). 2 submissions from 2 submitters: Likely benign (2). Last evaluated 2026-01-01.

gnomAD v4.1: 12 of 1,613,912 alleles (0.00074%); highest among the groups gnomAD compares: Non-Finnish European, 0.00085%; no homozygotes.

Submissions (2):

CeGaT Center for Human Genetics Tuebingen
Classification: Likely benign. Last evaluated: 2026-01-01. Review status: criteria provided, single submitter. Criteria: CeGaT Center For Human Genetics Tuebingen Variant Classification Criteria Version 2. Collection method: clinical testing. Allele origin: germline. Affected: yes. Observed: 1 variant allele.
Comment: TUBB4A: BP4, BP7

Blueprint Genetics
Classification: Likely benign. Last evaluated: 2020-05-26. Review status: criteria provided, single submitter. Criteria: ACMG Guidelines, 2015. Collection method: clinical testing. Allele origin: germline.

NM_006087.4(TUBB4A):c.1098C>A (p.Thr366=)

Gene: TUBB4A (tubulin beta 4A class IVa; minus strand). Cytogenetic location: 19p13.3.
Variant type: single nucleotide variant.
Coding change: c.1098C>A on transcript NM_006087.4 (MANE Select); coding-DNA position 1098, C replaced by A.
Protein change: p.Thr366=; no amino-acid change (threonine 366 retained).
Molecular consequence: synonymous variant.
Genome position (GRCh38, 1-based): chr19:6,495,401, G>T on the plus strand (C>A on the coding strand, the complement: TUBB4A is on the minus strand). VCF-style: chr19-6495401-G-T. GRCh37 (hg19) VCF-style: chr19-6495412-G-T.
Other names: c.1251C>A, p.Thr417= (NM_001289123.2); c.1233C>A, p.Thr411= (NM_001289127.2); c.1098C>A, p.Thr366= (NM_001289129.2); c.882C>A, p.Thr294= (NM_001289130.2, NM_001289131.2).
Identifiers: ClinVar variation 4822078 (VCV004822078.5).